The following is an entry in ClinVar:

NM_005475.3(SH2B3):c.380C>T (p.Pro127Leu)

Gene: SH2B3 (SH2B adaptor protein 3; plus strand). Cytogenetic location: 12q24.12.
Variant type: single nucleotide variant.
Coding change: c.380C>T on transcript NM_005475.3 (MANE Select); coding-DNA position 380, C replaced by T.
Protein change: p.Pro127Leu; replaces proline 127 with leucine.
Molecular consequence: missense variant.
Genome position (GRCh38, 1-based): chr12:111,418,525, C>T. VCF-style: chr12-111418525-C-T. GRCh37 (hg19) VCF-style: chr12-111856329-C-T.
Other names: short protein forms P127L.
Identifiers: ClinVar variation 3795067 (VCV003795067.1).

ClinVar aggregate classification (germline): Uncertain significance (1 of 4 stars; one submission).

Conditions:
Inborn genetic diseases. Identifiers: MedGen C0950123, MeSH D030342.

gnomAD v4.1: 2 of 1,394,900 alleles (0.00014%); highest among the groups gnomAD compares: Non-Finnish European, 0.00019%; no homozygotes.

Submission:

Ambry Genetics
Classification: Uncertain significance for Inborn genetic diseases. Last evaluated: 2025-01-03. Review status: criteria provided, single submitter. Criteria: Ambry Variant Classification Scheme 2023. Collection method: clinical testing. Allele origin: germline.
Comment: The p.P127L variant (also known as c.380C>T), located in coding exon 1 of the SH2B3 gene, results from a C to T substitution at nucleotide position 380. The proline at codon 127 is replaced by leucine, an amino acid with similar properties. This amino acid position is conserved. In addition, this alteration is predicted to be tolerated by in silico analysis. Based on the available evidence, the clinical significance of this variant remains unclear.